The following is an entry in ClinVar:

NM_022765.4(MICAL1):c.2065C>T (p.Gln689Ter)

Gene: MICAL1 (microtubule associated monooxygenase, calponin and LIM domain containing 1; minus strand). Cytogenetic location: 6q21.
Variant type: single nucleotide variant.
Coding change: c.2065C>T on transcript NM_022765.4 (MANE Select); coding-DNA position 2065, C replaced by T.
Protein change: p.Gln689Ter; replaces glutamine 689 with a stop codon.
Molecular consequence: nonsense.
Genome position (GRCh38, 1-based): chr6:109,447,362, G>A on the plus strand (C>T on the coding strand, the complement: MICAL1 is on the minus strand). VCF-style: chr6-109447362-G-A. GRCh37 (hg19) VCF-style: chr6-109768565-G-A.
Other names: c.1807C>T, p.Gln603Ter (NM_001159291.2); c.2122C>T, p.Gln708Ter (NM_001286613.2); short protein forms Q708*, Q603*, Q689*.
Identifiers: ClinVar variation 4731357 (VCV004731357.1).

ClinVar aggregate classification (germline): Uncertain significance (1 of 4 stars; one submission).

Submission:

Labcorp Genetics (formerly Invitae), Labcorp
Classification: Uncertain significance. Last evaluated: 2025-11-17. Review status: criteria provided, single submitter. Criteria: Invitae Variant Classification Sherloc (09022015). Collection method: clinical testing. Allele origin: germline.
Comment: This sequence change creates a premature translational stop signal (p.Gln708*) in the MICAL1 gene. It is expected to result in an absent or disrupted protein product. However, the current clinical and genetic evidence is not sufficient to establish whether loss-of-function variants in MICAL1 cause disease. This variant is present in population databases (rs750454243, gnomAD 0.003%). This variant has not been reported in the literature in individuals affected with MICAL1-related conditions. Algorithms developed to predict the effect of sequence changes on RNA splicing suggest that this variant may disrupt the consensus splice site. In summary, the available evidence is currently insufficient to determine the role of this variant in disease. Therefore, it has been classified as a Variant of Uncertain Significance.